The following is an entry in ClinVar:

NM_003491.4(NAA10):c.257T>G (p.Leu86Arg)

Gene: NAA10 (N-alpha-acetyltransferase 10, NatA catalytic subunit; minus strand). Cytogenetic location: Xq28.
Variant type: single nucleotide variant.
Coding change: c.257T>G on transcript NM_003491.4 (MANE Select); coding-DNA position 257, T replaced by G.
Protein change: p.Leu86Arg; replaces leucine 86 with arginine.
Molecular consequence: missense variant.
Genome position (GRCh38, 1-based): chrX:153,932,400, A>C on the plus strand (T>G on the coding strand, the complement: NAA10 is on the minus strand). VCF-style: chrX-153932400-A-C. GRCh37 (hg19) VCF-style: chrX-153197853-A-C.
Other names: c.257T>G, p.Leu86Arg (NM_001256119.2); c.239T>G, p.Leu80Arg (NM_001256120.2); short protein forms L80R, L86R.
Identifiers: ClinVar variation 973227 (VCV000973227.5), dbSNP rs2065171820, ClinGen allele CA415159432.

ClinVar aggregate classification (germline): Pathogenic (1 of 4 stars; one submission).

Conditions:
Microphthalmia, syndromic 1 (MCOPS1). Also called: ANOP1. Identifiers: Orphanet 568, Orphanet 85275, MedGen C0796016, MONDO:0010671, OMIM 309800.
Ogden syndrome (OGDNS). Also called: N-TERMINAL ACETYLTRANSFERASE DEFICIENCY. Identifiers: Orphanet 276432, MedGen C3275447, MONDO:0010457, OMIM 300855.

Submission:

Institute for Genomic Medicine (IGM) Clinical Laboratory, Nationwide Children's Hospital
Classification: Pathogenic for Microphthalmia, syndromic 1; Ogden syndrome. Last evaluated: 2018-04-04. Review status: criteria provided, single submitter. Criteria: ACMG Guidelines, 2015. Collection method: clinical testing. Allele origin: germline. Affected: yes.
Comment: [ACMG/AMP: PS2, PM1, PM2, PP2, PP3] This alteration is de novo in origin as it was not detected in the submitted parental specimens (identity confirmed) [PS2], is located in a mutational hotspot and/or critical and well-established functional domain [PM1], is absent from or rarely observed in large-scale population databases [PM2], is a missense variant in a gene in which missense variants are a common mechanism of disease [PP2], is predicted to be damaging by multiple functional prediction tools [PP3].